The following is an entry in ClinVar:

NM_000271.5(NPC1):c.1176dup (p.Glu393fs)

Gene: NPC1 (NPC intracellular cholesterol transporter 1; minus strand). Cytogenetic location: 18q11.2.
Variant type: Duplication.
Coding change: c.1176dup on transcript NM_000271.5 (MANE Select); coding-DNA position 1176, one base duplicated (A; older notation c.1176dupA).
Protein change: p.Glu393fs; shifts the reading frame from glutamic acid 393.
Molecular consequence: frameshift variant.
Genome position (GRCh38, 1-based): chr18:23,556,393, T duplicated on the plus strand (A on the coding strand, the reverse complement: NPC1 is on the minus strand); the first of 5 consecutive T bases (chr18:23,556,393-23,556,397); duplicating any one gives the same sequence. VCF-style (leftmost placement, unchanged base first): chr18-23556392-C-CT. GRCh37 (hg19) VCF-style: chr18-21136356-C-CT.
Other names: short protein forms E393fs.
Identifiers: ClinVar variation 2782515 (VCV002782515.3), dbSNP rs762646794, ClinGen allele CA8913525.

ClinVar aggregate classification (germline): Pathogenic (1 of 4 stars; one submission).

Conditions:
Niemann-Pick disease, type C1. Also called: NEUROVISCERAL STORAGE DISEASE WITH VERTICAL SUPRANUCLEAR OPHTHALMOPLEGIA; NIEMANN-PICK DISEASE WITH CHOLESTEROL ESTERIFICATION BLOCK; NIEMANN-PICK DISEASE WITHOUT SPHINGOMYELINASE DEFICIENCY; NIEMANN-PICK DISEASE, CHRONIC NEURONOPATHIC FORM; NIEMANN-PICK DISEASE, VARIANT TYPE C1. Identifiers: Orphanet 646, MedGen C3179455, MONDO:0009757, OMIM 257220.

Submission:

Labcorp Genetics (formerly Invitae), Labcorp
Classification: Pathogenic for Niemann-Pick disease, type C1. Last evaluated: 2023-03-08. Review status: criteria provided, single submitter. Criteria: Invitae Variant Classification Sherloc (09022015). Collection method: clinical testing. Allele origin: germline.
Comment: For these reasons, this variant has been classified as Pathogenic. This variant has not been reported in the literature in individuals affected with NPC1-related conditions. This variant is present in population databases (rs762646794, gnomAD 0.003%). This sequence change creates a premature translational stop signal (p.Glu393Argfs*4) in the NPC1 gene. It is expected to result in an absent or disrupted protein product. Loss-of-function variants in NPC1 are known to be pathogenic (PMID: 9211850).

Literature cited by the submitters: PubMed 9211850.